The following is an entry in ClinVar:

NM_002032.3(FTH1):c.51A>C (p.Ser17=)

Genes: FTH1 (ferritin heavy chain 1; minus strand), LOC399900 (uncharacterized LOC399900; plus strand). Cytogenetic location: 11q12.3.
Variant type: single nucleotide variant.
Coding change: c.51A>C on transcript NM_002032.3 (MANE Select); coding-DNA position 51, A replaced by C.
Protein change: p.Ser17=; no amino-acid change (serine 17 retained).
Molecular consequence: synonymous variant. On other transcripts: non-coding transcript variant (1).
Genome position (GRCh38, 1-based): chr11:61,967,375, T>G on the plus strand (A>C on the coding strand, the complement: FTH1 is on the minus strand). VCF-style: chr11-61967375-T-G. GRCh37 (hg19) VCF-style: chr11-61734847-T-G.
Identifiers: ClinVar variation 3050386 (VCV003050386.5), dbSNP rs753914758, ClinGen allele CA6041343.

ClinVar aggregate classification (germline): Likely benign. Review status: criteria provided, multiple submitters, no conflicts (2 of 4 stars). 3 submissions from 3 submitters: Likely benign (2). 1 of the submissions does not count toward it. Last evaluated 2025-01-12.

Conditions:
FTH1-related disorder. Also called: FTH1-related condition.

Allele frequency attached by ClinVar (database versions not stated): ExAC 0.00003; gnomAD exomes 0.00004; TOPMed 0.00005; gnomAD 0.00007.
gnomAD v4.1: 67 of 1,606,760 alleles (0.0042%); highest among the groups gnomAD compares: Non-Finnish European, 0.0052%; no homozygotes.

Submissions (3):

Labcorp Genetics (formerly Invitae), Labcorp
Classification: Likely benign. Last evaluated: 2025-01-12. Review status: criteria provided, single submitter. Criteria: Invitae Variant Classification Sherloc (09022015). Collection method: clinical testing. Allele origin: germline.

Blueprint Genetics
Classification: Likely benign. Last evaluated: 2023-12-27. Review status: criteria provided, single submitter. Criteria: ACMG Guidelines, 2015. Collection method: clinical testing. Allele origin: germline.

PreventionGenetics, part of Exact Sciences
Classification: Likely benign for FTH1-related condition. Last evaluated: 2019-07-15. Review status: no assertion criteria provided. Collection method: clinical testing. Allele origin: germline. Not counted in ClinVar's aggregate classification.
Comment: This variant is classified as likely benign based on ACMG/AMP sequence variant interpretation guidelines (Richards et al. 2015 PMID: 25741868, with internal and published modifications).